The following is an entry in ClinVar:

ClinVar aggregate classification (germline): Uncertain significance (1 of 4 stars; one submission).

Submission:

GeneDx
Classification: Uncertain significance. Last evaluated: 2024-05-09. Review status: criteria provided, single submitter. Criteria: GeneDx Variant Classification Process June 2021. Collection method: clinical testing. Allele origin: germline. Affected: yes.
Comment: Has not been previously published as pathogenic or benign to our knowledge; Not observed at significant frequency in large population cohorts (gnomAD); In silico analysis indicates that this missense variant does not alter protein structure/function

NM_053025.4(MYLK):c.4313C>T (p.Ser1438Leu)

Gene: MYLK (myosin light chain kinase; minus strand). Cytogenetic location: 3q21.1.
Variant type: single nucleotide variant.
Coding change: c.4313C>T on transcript NM_053025.4 (MANE Select); coding-DNA position 4313, C replaced by T.
Protein change: p.Ser1438Leu; replaces serine 1438 with leucine.
Molecular consequence: missense variant.
Genome position (GRCh38, 1-based): chr3:123,649,170, G>A on the plus strand (C>T on the coding strand, the complement: MYLK is on the minus strand). VCF-style: chr3-123649170-G-A. GRCh37 (hg19) VCF-style: chr3-123368017-G-A.
Other names: c.3785C>T, p.Ser1262Leu (NM_001321309.2); c.4106C>T, p.Ser1369Leu (NM_053026.4, NM_053028.4); c.4313C>T, p.Ser1438Leu (NM_053027.4); short protein forms S1262L, S1369L, S1438L.
Identifiers: ClinVar variation 3375599 (VCV003375599.1).
Genomic context (GRCh38, chr3:123,649,170, plus strand): 5'-CTCAGCCCCCTCCACCCCAAGAGCCTGACCCGAAGACAGGGGCTGCACTCACCATCATCT[G>A]ACACCTCCACTTCATCCTTCGGCTCTGGGGGGGGCACAAGGAAGGACAGAGAGGACACAG-3'
Protein context (NP_444253.3, residues 1428-1448): PEEPKDEVEV[Ser1438Leu]DDDEKEPEVD